The following is an entry in ClinVar:

NM_004715.5(CTDP1):c.2401G>A (p.Glu801Lys)

Gene: CTDP1 (CTD phosphatase subunit 1; plus strand). Cytogenetic location: 18q23.
Variant type: single nucleotide variant.
Coding change: c.2401G>A on transcript NM_004715.5 (MANE Select); coding-DNA position 2401, G replaced by A.
Protein change: p.Glu801Lys; replaces glutamic acid 801 with lysine.
Molecular consequence: missense variant.
Genome position (GRCh38, 1-based): chr18:79,718,000, G>A. VCF-style: chr18-79718000-G-A. GRCh37 (hg19) VCF-style: chr18-77478000-G-A.
Other names: c.2044G>A, p.Glu682Lys (NM_001202504.1); c.2401G>A, p.Glu801Lys (NM_001318511.2, NM_048368.4); short protein forms E682K, E801K.
Identifiers: ClinVar variation 2101061 (VCV002101061.4), dbSNP rs1167775867, ClinGen allele CA402833558.

ClinVar aggregate classification (germline): Uncertain significance (1 of 4 stars; one submission).

Allele frequency attached by ClinVar (database versions not stated): gnomAD exomes 0.00001.
gnomAD v4.1: 9 of 1,613,328 alleles (0.00056%); highest among the groups gnomAD compares: East Asian, 0.02%; no homozygotes.

Submission:

Labcorp Genetics (formerly Invitae), Labcorp
Classification: Uncertain significance. Last evaluated: 2025-08-11. Review status: criteria provided, single submitter. Criteria: Invitae Variant Classification Sherloc (09022015). Collection method: clinical testing. Allele origin: germline.
Comment: This sequence change replaces glutamic acid, which is acidic and polar, with lysine, which is basic and polar, at codon 801 of the CTDP1 protein (p.Glu801Lys). This variant is present in population databases (no rsID available, gnomAD 0.006%). This variant has not been reported in the literature in individuals affected with CTDP1-related conditions. ClinVar contains an entry for this variant (Variation ID: 2101061). An algorithm developed to predict the effect of missense changes on protein structure and function (PolyPhen-2) suggests that this variant is likely to be disruptive. In summary, the available evidence is currently insufficient to determine the role of this variant in disease. Therefore, it has been classified as a Variant of Uncertain Significance.